The following is an entry in ClinVar:

NM_000238.4(KCNH2):c.46G>C (p.Asp16His)

Gene: KCNH2 (potassium voltage-gated channel subfamily H member 2; minus strand). Cytogenetic location: 7q36.1.
Variant type: single nucleotide variant.
Coding change: c.46G>C on transcript NM_000238.4 (MANE Select); coding-DNA position 46, G replaced by C.
Protein change: p.Asp16His; replaces aspartic acid 16 with histidine.
Molecular consequence: missense variant. On other transcripts: non-coding transcript variant (1).
Genome position (GRCh38, 1-based): chr7:150,977,868, C>G on the plus strand (G>C on the coding strand, the complement: KCNH2 is on the minus strand). VCF-style: chr7-150977868-C-G. GRCh37 (hg19) VCF-style: chr7-150674956-C-G.
Other names: c.46G>C, p.Asp16His (NM_172056.3); short protein forms D16H.
Identifiers: ClinVar variation 2504881 (VCV002504881.3), dbSNP rs770772057, ClinGen allele CA369866694.
Genomic context (GRCh38, chr7:150,977,868, plus strand): 5'-CCTCCCCGCTCAGCCCCCTCCCCCACTCACTCTGGCCCTCAAACTTGCGGATGATGGTGT[C>G]CAGGAAGGTGTTCTGCGGCGCGACGTGGCCCCTCCGCACCGGCATCCTGAGCCCATGGGC-3'
Protein context (NP_000229.1, residues 6-26): GHVAPQNTFL[Asp16His]TIIRKFEGQS

ClinVar aggregate classification (germline): Uncertain significance. Review status: criteria provided, multiple submitters, no conflicts (2 of 4 stars). 2 submissions from 2 submitters: Uncertain significance (2). Last evaluated 2024-05-09.

Conditions:
Long QT syndrome (LQTS). Identifiers: MedGen C0023976, MeSH D008133, MONDO:0002442. Disease mechanism: loss of function. Inheritance: Various modes of inheritance.

Submissions (2):

All of Us Research Program, National Institutes of Health
Classification: Uncertain significance for Long QT syndrome. Last evaluated: 2024-05-09. Review status: criteria provided, single submitter. Criteria: ACMG Guidelines, 2015. Collection method: clinical testing. Allele origin: germline. Inheritance: Autosomal dominant inheritance. Observed: 2 variant alleles, 2 heterozygotes.
Comment: This missense variant replaces aspartic acid with histidine at codon 16 of the KCNH2 protein. Computational prediction suggests that this variant may have deleterious impact on protein structure and function (internally defined REVEL score threshold >= 0.7, PMID: 27666373). To our knowledge, functional studies have not been reported for this variant. This variant has not been reported in individuals affected with KCNH2-related disorders in the literature. This variant has not been identified in the general population by the Genome Aggregation Database (gnomAD). The available evidence is insufficient to determine the role of this variant in disease conclusively. Therefore, this variant is classified as a Variant of Uncertain Significance.

This study involves interpretation of variants in research participants for the purpose of population health screening. Participant phenotype was not available at the time of variant classification. Additional details can be found in publication PMID: 35346344, PMCID: PMC8962531

GeneDx
Classification: Uncertain significance. Last evaluated: 2022-12-06. Review status: criteria provided, single submitter. Criteria: GeneDx Variant Classification Process June 2021. Collection method: clinical testing. Allele origin: germline. Affected: yes.
Comment: Not observed at significant frequency in large population cohorts (gnomAD); In silico analysis supports that this missense variant has a deleterious effect on protein structure/function; Has not been previously published as pathogenic or benign to our knowledge